The following is an entry in ClinVar:

NM_001370466.1(NOD2):c.2623C>A (p.Gln875Lys)

Gene: NOD2 (nucleotide binding oligomerization domain containing 2; plus strand). Cytogenetic location: 16q12.1.
Variant type: single nucleotide variant.
Coding change: c.2623C>A on transcript NM_001370466.1 (MANE Select); coding-DNA position 2623, C replaced by A.
Protein change: p.Gln875Lys; replaces glutamine 875 with lysine.
Molecular consequence: missense variant. On other transcripts: non-coding transcript variant (1).
Genome position (GRCh38, 1-based): chr16:50,719,998, C>A. VCF-style: chr16-50719998-C-A. GRCh37 (hg19) VCF-style: chr16-50753909-C-A.
Other names: c.2704C>A (LRG_177t1); c.2623C>A, p.Gln875Lys (NM_001293557.2); c.2704C>A, p.Gln902Lys (NM_022162.3); short protein forms Q902K, Q875K.
Identifiers: ClinVar variation 319471 (VCV000319471.44), dbSNP rs201035873, ClinGen allele CA8051929.

ClinVar aggregate classification (germline): Conflicting classifications of pathogenicity. Review status: criteria provided, conflicting classifications (1 of 4 stars). 7 submissions from 6 submitters: Uncertain significance (2); Benign (2); Likely benign (3). Last evaluated 2026-06-26.

Conditions:
NOD2-related disorder. Also called: NOD2-related condition.
Autoinflammatory syndrome. Identifiers: Orphanet 93665, MedGen C3890737, MONDO:0019751.
Inflammatory bowel disease 1 (IBD1). Also called: INFLAMMATORY BOWEL DISEASE (CROHN DISEASE) 1; Inflammatory bowel disease 1, Crohn disease. Identifiers: MedGen CN260071, MONDO:0009960, OMIM 266600.
Blau syndrome (BLAUS). Also called: GRANULOMATOSIS, FAMILIAL JUVENILE SYSTEMIC; GRANULOMATOSIS, FAMILIAL, BLAU TYPE; GRANULOMATOUS INFLAMMATORY ARTHRITIS, DERMATITIS, AND UVEITIS, FAMILIAL; JABS SYNDROME; ARTHROCUTANEOUVEAL GRANULOMATOSIS. Identifiers: Orphanet 90340, MedGen C5201146, MONDO:0008523, OMIM 186580.
Regional enteritis. Also called: Enteritis, Granulomatous. Identifiers: MedGen C0678202, MeSH D003424.

Allele frequency attached by ClinVar (database versions not stated): gnomAD exomes 0.00011 and 0.00043; gnomAD 0.00023 and 0.00027; TOPMed 0.00041; ExAC 0.00048; 1000 Genomes Project 0.00060; 1000 Genomes Project 30x 0.00078.
gnomAD v4.1: 197 of 1,614,084 alleles (0.012%); highest among the groups gnomAD compares: East Asian, 0.37%; 1 homozygote.

Submissions (7):

PreventionGenetics, part of Exact Sciences
Classification: Uncertain significance for NOD2-related condition. Last evaluated: 2026-06-26. Review status: criteria provided, single submitter. Criteria: ACMG Guidelines, 2015. Collection method: clinical testing. Allele origin: germline.
Comment: The NOD2 c.2704C>A variant is predicted to result in the amino acid substitution p.Gln902Lys. This variant has been reported in the heterozygous and compound heterozygous state in multiple unrelated individuals with Yao syndrome (Yang et al. 2018. PubMed ID: 30159790; Zhang et al. 2024. PubMed ID: 38395960; Zhang et al. 2024. PubMed ID: 39290705). This variant is reported in 0.57% of alleles in individuals of East Asian descent in gnomAD. At this time, the clinical significance of this variant is uncertain due to the absence of conclusive functional and genetic evidence.

Labcorp Genetics (formerly Invitae), Labcorp
Classification: Benign for Regional enteritis; Blau syndrome. Last evaluated: 2026-01-05. Review status: criteria provided, single submitter. Criteria: Invitae Variant Classification Sherloc (09022015). Collection method: clinical testing. Allele origin: germline.

Blueprint Genetics
Classification: Likely benign. Last evaluated: 2024-05-29. Review status: criteria provided, single submitter. Criteria: ACMG Guidelines, 2015. Collection method: clinical testing. Allele origin: germline.

CeGaT Center for Human Genetics Tuebingen
Classification: Likely benign. Last evaluated: 2023-07-01. Review status: criteria provided, single submitter. Criteria: CeGaT Center For Human Genetics Tuebingen Variant Classification Criteria Version 2. Collection method: clinical testing. Allele origin: germline. Affected: yes. Observed: 1 variant allele.
Comment: NOD2: BP4, BS1

Illumina Laboratory Services, Illumina
Classification: Likely benign for Inflammatory bowel disease 1. Last evaluated: 2018-01-12. Review status: criteria provided, single submitter. Criteria: ICSL Variant Classification Criteria 13 December 2019. Collection method: clinical testing. Allele origin: germline.
Comment: This variant was observed in the ICSL laboratory as part of a predisposition screen in an ostensibly healthy population. It had not been previously curated by ICSL or reported in the Human Gene Mutation Database (HGMD: prior to June 1st, 2018), and was therefore a candidate for classification through an automated scoring system. Utilizing variant allele frequency, disease prevalence and penetrance estimates, and inheritance mode, an automated score was calculated to assess if this variant is too frequent to cause the disease. Based on the score and internal cut-off values, a variant classified as likely benign is not then subjected to further curation. The score for this variant resulted in a classification of likely benign for this disease.

Illumina Laboratory Services, Illumina
Classification: Benign for Blau syndrome. Last evaluated: 2018-01-12. Review status: criteria provided, single submitter. Criteria: ICSL Variant Classification Criteria 13 December 2019. Collection method: clinical testing. Allele origin: germline.
Comment: This variant was observed in the ICSL laboratory as part of a predisposition screen in an ostensibly healthy population. It had not been previously curated by ICSL or reported in the Human Gene Mutation Database (HGMD: prior to June 1st, 2018), and was therefore a candidate for classification through an automated scoring system. Utilizing variant allele frequency, disease prevalence and penetrance estimates, and inheritance mode, an automated score was calculated to assess if this variant is too frequent to cause the disease. Based on the score and internal cut-off values, a variant classified as benign is not then subjected to further curation. The score for this variant resulted in a classification of benign for this disease.

Genome Diagnostics Laboratory, The Hospital for Sick Children
Classification: Uncertain significance for Autoinflammatory syndrome. Last evaluated: 2017-11-01. Review status: criteria provided, single submitter. Criteria: ACMG Guidelines, 2015. Collection method: clinical testing. Allele origin: germline. Affected: yes.